The following is an entry in ClinVar:

ClinVar aggregate classification (germline): Uncertain significance (1 of 4 stars; one submission).

Conditions:
Hereditary cancer-predisposing syndrome. Also called: Neoplastic Syndromes, Hereditary; Tumor predisposition; Hereditary neoplastic syndrome; Hereditary Cancer Syndrome. Identifiers: Orphanet 140162, MedGen C0027672, MeSH D009386, MONDO:0015356.

Submission:

Ambry Genetics
Classification: Uncertain significance for Hereditary cancer-predisposing syndrome. Last evaluated: 2026-07-06. Review status: criteria provided, single submitter. Criteria: Ambry Variant Classification Scheme 2023. Collection method: clinical testing. Allele origin: germline.
Comment: The p.K337N variant (also known as c.1011G>C), located in coding exon 11 of the BAP1 gene, results from a G to C substitution at nucleotide position 1011. The lysine at codon 337 is replaced by asparagine, an amino acid with similar properties. This amino acid position is conserved. In addition, this alteration is predicted to be tolerated by in silico analysis. Based on the available evidence, the clinical significance of this variant remains unclear.

NM_004656.4(BAP1):c.1011G>C (p.Lys337Asn)

Gene: BAP1 (BRCA1 associated deubiquitinase 1; minus strand). Cytogenetic location: 3p21.1.
Variant type: single nucleotide variant.
Coding change: c.1011G>C on transcript NM_004656.4 (MANE Select); coding-DNA position 1011, G replaced by C.
Protein change: p.Lys337Asn; replaces lysine 337 with asparagine.
Molecular consequence: missense variant.
Genome position (GRCh38, 1-based): chr3:52,405,215, C>G on the plus strand (G>C on the coding strand, the complement: BAP1 is on the minus strand). VCF-style: chr3-52405215-C-G. GRCh37 (hg19) VCF-style: chr3-52439231-C-G.
Other names: c.957G>C, p.Lys319Asn (NM_001410772.1); short protein forms K319N, K337N.
Identifiers: ClinVar variation 5032724 (VCV005032724.1).